The following is an entry in ClinVar:

ClinVar aggregate classification (germline): Uncertain significance. Review status: no assertion criteria provided (0 of 4 stars). 2 submissions from 1 submitter: Uncertain significance (1). 1 of the submissions does not count toward it.

Submissions (2):

Richard Lifton Laboratory, Yale University School of Medicine
Classification: Uncertain significance. Review status: no assertion criteria provided. Collection method: not provided. Allele origin: somatic.
Comment: NUP133:p.L1144F
ClinVar note: Converted during submission from unknown to Uncertain significance.

Richard Lifton Laboratory, Yale University School of Medicine
Classification: Uncertain significance. Review status: flagged submission. Collection method: not provided. Allele origin: somatic. Not counted in ClinVar's aggregate classification.
ClinVar note: Converted during submission from unknown to Uncertain significance.
ClinVar note: Reason: This record appears to be redundant with a more recent record from the same submitter.
ClinVar note: Notes: SCV000120095 appears to be redundant with SCV000155199.

NM_018230.3(NUP133):c.3432G>C (p.Leu1144Phe)

Gene: NUP133 (nucleoporin 133; minus strand). Cytogenetic location: 1q42.13.
Variant type: single nucleotide variant.
Coding change: c.3432G>C on transcript NM_018230.3 (MANE Select); coding-DNA position 3432, G replaced by C.
Protein change: p.Leu1144Phe; replaces leucine 1144 with phenylalanine.
Molecular consequence: missense variant.
Genome position (GRCh38, 1-based): chr1:229,441,943, C>G on the plus strand (G>C on the coding strand, the complement: NUP133 is on the minus strand). VCF-style: chr1-229441943-C-G. GRCh37 (hg19) VCF-style: chr1-229577690-C-G.
Other names: short protein forms L1144F.
Identifiers: ClinVar variation 100870 (VCV000100870.2), dbSNP rs483352747, ClinGen allele CA229167.